The following is an entry in ClinVar:

ClinVar aggregate classification (germline): Uncertain significance (1 of 4 stars; one submission).

Submission:

Dasa
Classification: Uncertain significance. Last evaluated: 2025-08-19. Review status: criteria provided, single submitter. Criteria: DASA Assertion Criteria. Collection method: clinical testing. Allele origin: germline.
Comment: NM_002430.3(MN1):c.2965A>G (p.Ser989Gly) is a missense variant that results in the substitution of serine with glycine. This variant is rare in population databases. Computational prediction algorithms are consistent with a benign effect. The currently available literature and clinical evidence are not sufficient to establish a definitive association between this variant and the reported condition. Therefore, this variant is classified as a variant of uncertain significance.

NM_002430.3(MN1):c.2965A>G (p.Ser989Gly)

Gene: MN1 (MN1 proto-oncogene, transcriptional regulator; minus strand). Cytogenetic location: 22q12.1.
Variant type: single nucleotide variant.
Coding change: c.2965A>G on transcript NM_002430.3 (MANE Select); coding-DNA position 2965, A replaced by G.
Protein change: p.Ser989Gly; replaces serine 989 with glycine.
Molecular consequence: missense variant.
Genome position (GRCh38, 1-based): chr22:27,797,579, T>C on the plus strand (A>G on the coding strand, the complement: MN1 is on the minus strand). VCF-style: chr22-27797579-T-C. GRCh37 (hg19) VCF-style: chr22-28193567-T-C.
Other names: short protein forms S989G.
Identifiers: ClinVar variation 4883814 (VCV004883814.2).